The following continues an entry in ClinVar:

NM_001111.5(ADAR):c.577C>G (p.Pro193Ala)

Gene: ADAR. ClinVar aggregate classification (germline): Conflicting classifications of pathogenicity. Pathogenic (21); Likely pathogenic (7); Uncertain significance (1).

Submissions 6 to 20 of 36:

Ambry Genetics
Classification: Pathogenic for Inborn genetic diseases. Last evaluated: 2026-01-29. Review status: criteria provided, single submitter. Criteria: Ambry Variant Classification Scheme 2023. Collection method: clinical testing. Allele origin: germline.
Comment: The c.577C>G (p.P193A) alteration is located in coding exon 2 of the ADAR gene. This alteration results from a C to G substitution at nucleotide position 577, causing the proline (P) at amino acid position 193 to be replaced by an alanine (A). Based on the available evidence, the ADAR c.577C>G (p.P193A) variant is classified as pathogenic; however, it is hypomorphic and only causes autosomal recessive Aicardi-Gouti&egrave;res syndrome when occurring in trans with a more severe loss of function variant. Moreover, it is unlikely to be causative of autosomal dominant dyschromatosis symmetrica hereditaria (DSH). Based on data from gnomAD, the G allele has an overall frequency of 0.21% (606/282848) total alleles studied, including 1 homozygote. The highest observed frequency was 0.33% (426/129158) of European (non-Finnish) alleles. Based on data from gnomAD, the frequency for this variant is above the maximum credible frequency for a disease-causing variant in this gene based on internally established thresholds (Karczewski, 2020; Whiffin, 2017). In addition, this variant has been identified in apparently unaffected homozygous individuals in our laboratory (Ambry internal data). This variant has been identified in conjunction with other ADAR variant(s) in individual(s) with features consistent with autosomal recessive Aicardi-Gouti&egrave;res syndrome; in at least one instance, the variants were identified in trans (Crow, 2015; Rice, 2012; Livingston, 2014; Rice, 2017; Schmelzer, 2018). In the homozygous state, this variant is not disease-causing. This amino acid position is highly conserved in available vertebrate species. The p.P193 amino acid is located within the Z-DNA/Z-RNA binding domain. Structural modeling of the ADAR protein suggests that, in the wildtype protein, the p.P193 residue makes direct contact with the nucleic acid, and the p.P193A substitution removes important interactions between the ADAR protein and DNA/RNA (Rice, 2012). In multiple assays testing ADAR function, this variant showed a functionally abnormal result (Rice, 2012; Mannion, 2014). An animal model expressing this variant exhibited phenotype(s) consistent with autosomal recessive ADAR-related disease, but only when the variant was in trans with a severe loss of function variant (Maurano, 2021). This alteration is predicted to be deleterious by in silico analysis. Based on the available evidence, this alteration is classified as pathogenic.

Institute of Human Genetics, University of Leipzig Medical Center
Classification: Pathogenic for Aicardi-Goutieres syndrome 6. Last evaluated: 2026-01-15. Review status: criteria provided, single submitter. Criteria: ACMG Guidelines, 2015. Collection method: clinical testing. Allele origin: unknown. Inheritance: Autosomal recessive inheritance. Affected: yes.
Comment: Criteria applied: PS3,PM3,PM5,PP2,PP3; Identified as compund heterozygous with NM_001111.5:c.3014A>G

GeneDx
Classification: Pathogenic. Last evaluated: 2025-12-30. Review status: criteria provided, single submitter. Criteria: GeneDx Variant Classification Process June 2021. Collection method: clinical testing. Allele origin: germline. Affected: yes.
Comment: Conflicting evidence has been reported regarding the effect of this variant on protein function and structure (PMID: 25456137, 29603717), and a knock-in mouse model for this variant supports that it could be a hypomorph variant (PMID: 34343497); In silico analysis supports that this missense variant has a deleterious effect on protein structure/function; This variant is associated with the following publications: (PMID: 33289110, 35960392, 37541188, 27539236, 29030706, 38702429, 31692161, 24262145, 27290639, 28139822, 23001123, 29221912, 29603717, 30609409, 31664448, 31737037, 30729177, 31772029, 31980526, 34758253, 27943079, 34426522, 33307271, 34778129, 34631961, Liang[article]2022, 38292175, 35859177, 25456137, 37421629, 33528536, 34343497, 38975939)

3billion
Classification: Pathogenic for Aicardi-Goutieres syndrome 6. Last evaluated: 2025-10-02. Review status: criteria provided, single submitter. Criteria: ACMG Guidelines, 2015. Collection method: clinical testing. Allele origin: germline. Affected: yes.
Comment: The variant is observed at an extremely low frequency in the gnomAD v4.1.0 dataset (total allele frequency: 0.316%). Predicted Consequence/Location: Missense variant In silico tool predictions suggest damaging effect of the variant on gene or gene product [REVEL: 0.74 (>=0.6, sensitivity 0.68 and specificity 0.92); 3Cnet: 0.83 (> 0.75, sensitivity 0.96 and precision 0.92)]. The same nucleotide change resulting in the same amino acid change has been previously reported as pathogenic/likely pathogenic with strong evidence (ClinVar ID: VCV000126395 /PMID: 23001123 /3billion dataset). The variant has been reported to be in trans with a pathogenic variant as either compound heterozygous or homozygous in at least 4 similarly affected unrelated individuals (PMID: 28561207). A different missense change at the same codon (p.Pro193Leu) has been reported to be associated with ADAR-related disorder (PMID: 33289110). Therefore, this variant is classified as Pathogenic according to the recommendation of ACMG/AMP guideline.

First Genomix Gene Laboratory, Genetic Diagnostics Department
Classification: Pathogenic for Aicardi-Goutieres syndrome 6. Last evaluated: 2025-06-26. Review status: criteria provided, single submitter. Criteria: ACMG Guidelines, 2015. Collection method: clinical testing. Allele origin: germline. Inheritance: Autosomal recessive inheritance. Affected: no. Observed: 1 variant allele.

Department of Paediatrics at Addenbrookes, Cambridge University Hospitals NHS Foundation Trust (UK)
Classification: Likely pathogenic for Aicardi-Goutieres syndrome 6. Last evaluated: 2025-05-27. Review status: criteria provided, single submitter. Criteria: Durkie Uk Practice Guidelines For Variant Classification V12 2024 (1). Collection method: clinical testing. Allele origin: unknown.
Comment: PS3_Supporting; PM2_Moderate; PM3_Strong; PP2_Supporting; PP3_Supporting

Revvity Omics, Revvity
Classification: Likely pathogenic. Last evaluated: 2025-04-10. Review status: criteria provided, single submitter. Criteria: ACMG Guidelines, 2015. Collection method: clinical testing. Allele origin: germline.

Laboratory of Genetics, Children's Clinical University Hospital Latvia
Classification: Pathogenic. Last evaluated: 2025-02-16. Review status: criteria provided, single submitter. Criteria: ACMG Guidelines, 2015. Collection method: clinical testing. Allele origin: germline. Affected: yes.

Blueprint Genetics
Classification: Pathogenic for ADAR-related disorders. Last evaluated: 2024-11-22. Review status: criteria provided, single submitter. Criteria: ACMG Guidelines, 2015. Collection method: clinical testing. Allele origin: germline. Affected: yes. Observed: 5 variant alleles.

Fulgent Genetics
Classification: Likely pathogenic for Symmetrical dyschromatosis of extremities; Aicardi-Goutieres syndrome 6. Last evaluated: 2024-01-30. Review status: criteria provided, single submitter. Criteria: ACMG Guidelines, 2015. Collection method: clinical testing. Allele origin: germline.

Unidad de Genómica Garrahan, Hospital de Pediatría Garrahan
Classification: Pathogenic for West syndrome. Last evaluated: 2024-01-01. Review status: criteria provided, single submitter. Criteria: ACMG Guidelines, 2015. Collection method: clinical testing. Allele origin: germline. Affected: yes. Observed: 1 variant allele.
Comment: ACMG/AMP criteria applied: PS3_strong, PM1_supporting, PM2_supporting, PM3_moderate, PP2_supporting, PP3_supporting. Single variant detected, with adequate coverage of coding regions and splice sites.

Department of Pathology and Laboratory Medicine, Sinai Health System
Classification: Pathogenic for ADAR-related type 1 interferonopathy. Last evaluated: 2023-10-02. Review status: criteria provided, single submitter. Criteria: ACMG Guidelines, 2015. Collection method: research. Allele origin: germline.

Institute of Medical Genetics and Applied Genomics, University Hospital Tübingen
Classification: Pathogenic. Last evaluated: 2020-10-23. Review status: criteria provided, single submitter. Criteria: ACMG Guidelines, 2015. Collection method: clinical testing. Allele origin: germline. Inheritance: Unknown mechanism. Affected: yes.

Victorian Clinical Genetics Services, Murdoch Childrens Research Institute
Classification: Likely pathogenic for Aicardi-Goutieres syndrome 6. Last evaluated: 2020-05-21. Review status: criteria provided, single submitter. Criteria: ACMG Guidelines, 2015. Collection method: clinical testing. Allele origin: germline. Affected: yes.
Comment: A heterozygous missense variant was identified, NM_001111.5(ADAR):c.577C>G in exon 2 of 15 of the ADAR gene (NB: this variant is non-coding in alternative transcripts). This substitution is predicted to create a minor amino acid change from a proline to an alanine at position 193 of the protein; NP_001102.3(ADAR):p.(Pro193Ala). The proline at this position has very high conservation (100 vertebrates, UCSC), and is located within the Z-DNA binding domain (Rice, G. I. et al. (2012)). In silico software predicts this variant to be damaging (Polyphen, SIFT, CADD, Mutation Taster). The variant is present in the gnomAD population database at a global population frequency at 0.21% (604 heterozygotes, 1 homozygote) and within the European sub-population frequency at 0.33%. This variant has been previously reported likely benign, likely pathogenic, pathogenic and VUS (ClinVar), but also as pathogenic in many patients with bilateral striatal necrosis or Aicardi-Goutieres syndrome (ClinVar, Piekutowska-Abramczuk, D. et al. (2016), Kono, M. et al. (2018)). It has also been shown to segregate with disease in several families (Rice, G. I. et al. (2012), Schmelzer, L. et al. (2018), Livingston, J. H. et al. (2014)). In addition, functional studies show that this variant causes reductions in RNA editing efficiency, but only in compound heterozygote with another pathogenic variant (Mannion, N. M. et al. (2014)). A different variant in the same codon resulting in a change to a serine has also been reported as a VUS (LOVD). Based on information available at the time of curation, this variant has been classified as LIKELY PATHOGENIC.

Mendelics
Classification: Pathogenic for Symmetrical dyschromatosis of extremities. Last evaluated: 2019-05-28. Review status: criteria provided, single submitter. Criteria: Mendelics Assertion Criteria 2017. Collection method: clinical testing. Allele origin: unknown.